The following is an entry in ClinVar:

ClinVar aggregate classification (germline): Uncertain significance. Review status: criteria provided, multiple submitters, no conflicts (2 of 4 stars). 2 submissions from 2 submitters: Uncertain significance (2). Last evaluated 2024-03-12.

Conditions:
Wilson disease (WND). Also called: Wilson's disease. Identifiers: Orphanet 905, MedGen C0019202, MONDO:0010200, OMIM 277900. Disease mechanism: loss of function.

Allele frequency attached by ClinVar (database versions not stated): gnomAD exomes below 0.00001; ExAC 0.00001; gnomAD 0.00001; 1000 Genomes Project 30x 0.00016; 1000 Genomes Project 0.00020.

Submissions (2):

Fulgent Genetics
Classification: Uncertain significance for Wilson disease. Last evaluated: 2024-03-12. Review status: criteria provided, single submitter. Criteria: ACMG Guidelines, 2015. Collection method: clinical testing. Allele origin: germline.

Labcorp Genetics (formerly Invitae), Labcorp
Classification: Uncertain significance for Wilson disease. Last evaluated: 2022-08-15. Review status: criteria provided, single submitter. Criteria: Invitae Variant Classification Sherloc (09022015). Collection method: clinical testing. Allele origin: germline.
Comment: This sequence change replaces glycine, which is neutral and non-polar, with arginine, which is basic and polar, at codon 205 of the ATP7B protein (p.Gly205Arg). This variant is present in population databases (rs528587507, gnomAD 0.006%). This variant has not been reported in the literature in individuals affected with ATP7B-related conditions. ClinVar contains an entry for this variant (Variation ID: 1362876). Advanced modeling of protein sequence and biophysical properties (such as structural, functional, and spatial information, amino acid conservation, physicochemical variation, residue mobility, and thermodynamic stability) performed at Invitae indicates that this missense variant is expected to disrupt ATP7B protein function. In summary, the available evidence is currently insufficient to determine the role of this variant in disease. Therefore, it has been classified as a Variant of Uncertain Significance.

NM_000053.4(ATP7B):c.613G>A (p.Gly205Arg)

Gene: ATP7B (ATPase copper transporting beta; minus strand). Cytogenetic location: 13q14.3.
Variant type: single nucleotide variant.
Coding change: c.613G>A on transcript NM_000053.4 (MANE Select); coding-DNA position 613, G replaced by A.
Protein change: p.Gly205Arg; replaces glycine 205 with arginine.
Molecular consequence: missense variant.
Genome position (GRCh38, 1-based): chr13:51,974,607, C>T on the plus strand (G>A on the coding strand, the complement: ATP7B is on the minus strand). VCF-style: chr13-51974607-C-T. GRCh37 (hg19) VCF-style: chr13-52548743-C-T.
Other names: c.613G>A, p.Gly205Arg (NM_001005918.3, NM_001243182.2, NM_001330578.2 and 1 more transcripts); short protein forms G205R.
Identifiers: ClinVar variation 1362876 (VCV001362876.6), dbSNP rs528587507, ClinGen allele CA6989527.